The following is an entry in ClinVar:

NM_002564.4(P2RY2):c.244T>C (p.Tyr82His)

Gene: P2RY2 (purinergic receptor P2Y2; plus strand). Cytogenetic location: 11q13.4.
Variant type: single nucleotide variant.
Coding change: c.244T>C on transcript NM_002564.4 (MANE Select); coding-DNA position 244, T replaced by C.
Protein change: p.Tyr82His; replaces tyrosine 82 with histidine.
Molecular consequence: missense variant.
Genome position (GRCh38, 1-based): chr11:73,234,403, T>C. VCF-style: chr11-73234403-T-C. GRCh37 (hg19) VCF-style: chr11-72945448-T-C.
Other names: c.244T>C, p.Tyr82His (NM_176071.3, NM_176072.3); short protein forms Y82H.
Identifiers: ClinVar variation 4563832 (VCV004563832.1).

ClinVar aggregate classification (germline): Uncertain significance (1 of 4 stars; one submission).

gnomAD v4.1: 1 of 1,614,240 alleles (0.000062%); no homozygotes.

Submission:

Ambry Genetics
Classification: Uncertain significance. Last evaluated: 2025-12-10. Review status: criteria provided, single submitter. Criteria: Ambry Variant Classification Scheme 2023. Collection method: clinical testing. Allele origin: germline.
Comment: The c.244T>C (p.Y82H) alteration is located in exon 3 (coding exon 1) of the P2RY2 gene. This alteration results from a T to C substitution at nucleotide position 244, causing the tyrosine (Y) at amino acid position 82 to be replaced by a histidine (H). Based on data from gnomAD, the C allele has an overall frequency of <0.001% (1/251280) total alleles studied. The highest observed frequency was <0.001% (/) of alleles. Based on insufficient or conflicting evidence, the clinical significance of this alteration remains unclear.